The following is an entry in ClinVar:

ClinVar aggregate classification (germline): Likely benign (1 of 4 stars; one submission).

Conditions:
CPSF1-related disorder. Also called: CPSF1-related condition.

gnomAD v4.1: 380 of 1,613,838 alleles (0.024%); highest among the groups gnomAD compares: East Asian, 0.65%; 4 homozygotes.

Submission:

PreventionGenetics, part of Exact Sciences
Classification: Likely benign for CPSF1-related condition. Last evaluated: 2025-05-20. Review status: criteria provided, single submitter. Criteria: ACMG Guidelines, 2015. Collection method: clinical testing. Allele origin: germline.
Comment: This variant is classified as likely benign based on ACMG/AMP sequence variant interpretation guidelines (Richards et al. 2015 PMID: 25741868, with internal and published modifications).

NM_013291.3(CPSF1):c.51C>A (p.Ser17=)

Gene: CPSF1 (cleavage and polyadenylation specific factor 1; minus strand). Cytogenetic location: 8q24.3.
Variant type: single nucleotide variant.
Coding change: c.51C>A on transcript NM_013291.3 (MANE Select); coding-DNA position 51, C replaced by A.
Protein change: p.Ser17=; no amino-acid change (serine 17 retained).
Molecular consequence: synonymous variant.
Genome position (GRCh38, 1-based): chr8:144,409,108, G>T on the plus strand (C>A on the coding strand, the complement: CPSF1 is on the minus strand). VCF-style: chr8-144409108-G-T. GRCh37 (hg19) VCF-style: chr8-145634492-G-T.
Identifiers: ClinVar variation 4980944 (VCV004980944.1).